The following is an entry in ClinVar:

NM_005886.3(KATNB1):c.171+6C>T

Gene: KATNB1 (katanin regulatory subunit B1; plus strand). Cytogenetic location: 16q21.
Variant type: single nucleotide variant.
Coding change: c.171+6C>T on transcript NM_005886.3 (MANE Select); 6 bases into the intron after coding-DNA position 171, C replaced by T.
Molecular consequence: intron variant.
Genome position (GRCh38, 1-based): chr16:57,741,823, C>T. VCF-style: chr16-57741823-C-T. GRCh37 (hg19) VCF-style: chr16-57775735-C-T.
Identifiers: ClinVar variation 1933254 (VCV001933254.5), dbSNP rs2506891836, ClinGen allele CA2580091708.

ClinVar aggregate classification (germline): Uncertain significance (1 of 4 stars; one submission).

Submission:

Labcorp Genetics (formerly Invitae), Labcorp
Classification: Uncertain significance. Last evaluated: 2022-07-15. Review status: criteria provided, single submitter. Criteria: Invitae Variant Classification Sherloc (09022015). Collection method: clinical testing. Allele origin: germline.
Comment: In summary, the available evidence is currently insufficient to determine the role of this variant in disease. Therefore, it has been classified as a Variant of Uncertain Significance. Variants that disrupt the consensus splice site are a relatively common cause of aberrant splicing (PMID: 17576681, 9536098). Algorithms developed to predict the effect of sequence changes on RNA splicing suggest that this variant is not likely to affect RNA splicing. This variant has not been reported in the literature in individuals affected with KATNB1-related conditions. This variant is not present in population databases (gnomAD no frequency). This sequence change falls in intron 3 of the KATNB1 gene. It does not directly change the encoded amino acid sequence of the KATNB1 protein. It affects a nucleotide within the consensus splice site.

Literature cited by the submitters: PubMed 17576681; PubMed 9536098.